The following is an entry in ClinVar:

NM_014003.4(DHX38):c.415C>T (p.Arg139Trp)

Gene: DHX38 (DEAH-box helicase 38; plus strand). Cytogenetic location: 16q22.2.
Variant type: single nucleotide variant.
Coding change: c.415C>T on transcript NM_014003.4 (MANE Select); coding-DNA position 415, C replaced by T.
Protein change: p.Arg139Trp; replaces arginine 139 with tryptophan.
Molecular consequence: missense variant.
Genome position (GRCh38, 1-based): chr16:72,096,913, C>T. VCF-style: chr16-72096913-C-T. GRCh37 (hg19) VCF-style: chr16-72130812-C-T.
Other names: short protein forms R139W.
Identifiers: ClinVar variation 863446 (VCV000863446.9), dbSNP rs549408121, ClinGen allele CA8159960.

ClinVar aggregate classification (germline): Uncertain significance. Review status: criteria provided, multiple submitters, no conflicts (2 of 4 stars). 2 submissions from 2 submitters: Uncertain significance (2). Last evaluated 2023-12-11.

Allele frequency attached by ClinVar (database versions not stated): gnomAD exomes 0.00001 and 0.00002; ExAC 0.00002; gnomAD 0.00004; TOPMed 0.00006; 1000 Genomes Project 30x 0.00016; 1000 Genomes Project 0.00020.
gnomAD v4.1: 20 of 1,613,930 alleles (0.0012%); highest among the groups gnomAD compares: African/African-American, 0.0093%; no homozygotes.

Submissions (2):

Blueprint Genetics
Classification: Uncertain significance. Last evaluated: 2023-12-11. Review status: criteria provided, single submitter. Criteria: ACMG Guidelines, 2015. Collection method: clinical testing. Allele origin: germline.

Labcorp Genetics (formerly Invitae), Labcorp
Classification: Uncertain significance. Last evaluated: 2023-10-03. Review status: criteria provided, single submitter. Criteria: Invitae Variant Classification Sherloc (09022015). Collection method: clinical testing. Allele origin: germline.
Comment: This sequence change replaces arginine, which is basic and polar, with tryptophan, which is neutral and slightly polar, at codon 139 of the DHX38 protein (p.Arg139Trp). This variant is present in population databases (rs549408121, gnomAD 0.008%). This variant has not been reported in the literature in individuals affected with DHX38-related conditions. ClinVar contains an entry for this variant (Variation ID: 863446). Algorithms developed to predict the effect of missense changes on protein structure and function output the following: SIFT: "Not Available"; PolyPhen-2: "Possibly Damaging"; Align-GVGD: "Not Available". The tryptophan amino acid residue is found in multiple mammalian species, which suggests that this missense change does not adversely affect protein function. In summary, the available evidence is currently insufficient to determine the role of this variant in disease. Therefore, it has been classified as a Variant of Uncertain Significance.